The following is an entry in ClinVar:

NM_001330700.2(TOP2B):c.1741A>C (p.Asn581His)

Gene: TOP2B (DNA topoisomerase II beta; minus strand). Cytogenetic location: 3p24.2.
Variant type: single nucleotide variant.
Coding change: c.1741A>C on transcript NM_001330700.2 (MANE Select); coding-DNA position 1741, A replaced by C.
Protein change: p.Asn581His; replaces asparagine 581 with histidine.
Molecular consequence: missense variant.
Genome position (GRCh38, 1-based): chr3:25,629,094, T>G on the plus strand (A>C on the coding strand, the complement: TOP2B is on the minus strand). VCF-style: chr3-25629094-T-G. GRCh37 (hg19) VCF-style: chr3-25670585-T-G.
Other names: c.1726A>C, p.Asn576His (NM_001068.3); short protein forms N576H, N581H.
Identifiers: ClinVar variation 1481842 (VCV001481842.8), dbSNP rs2125376064, ClinGen allele CA351908045.

ClinVar aggregate classification (germline): Uncertain significance (1 of 4 stars; one submission).

Submission:

Labcorp Genetics (formerly Invitae), Labcorp
Classification: Uncertain significance. Last evaluated: 2022-02-17. Review status: criteria provided, single submitter. Criteria: Invitae Variant Classification Sherloc (09022015). Collection method: clinical testing. Allele origin: germline.
Comment: In summary, the available evidence is currently insufficient to determine the role of this variant in disease. Therefore, it has been classified as a Variant of Uncertain Significance. Algorithms developed to predict the effect of missense changes on protein structure and function are either unavailable or do not agree on the potential impact of this missense change (SIFT: "Deleterious"; PolyPhen-2: "Probably Damaging"; Align-GVGD: "Class C0"). This variant has not been reported in the literature in individuals affected with TOP2B-related conditions. This variant is not present in population databases (gnomAD no frequency). This sequence change replaces asparagine, which is neutral and polar, with histidine, which is basic and polar, at codon 576 of the TOP2B protein (p.Asn576His).